The following is an entry in ClinVar:

ClinVar aggregate classification (germline): Uncertain significance (1 of 4 stars; one submission).

Submission:

Labcorp Genetics (formerly Invitae), Labcorp
Classification: Uncertain significance. Last evaluated: 2025-06-29. Review status: criteria provided, single submitter. Criteria: Invitae Variant Classification Sherloc (09022015). Collection method: clinical testing. Allele origin: germline.
Comment: This sequence change replaces proline, which is neutral and non-polar, with alanine, which is neutral and non-polar, at codon 95 of the ABCB4 protein (p.Pro95Ala). This variant is not present in population databases (gnomAD no frequency). This variant has not been reported in the literature in individuals affected with ABCB4-related conditions. An algorithm developed to predict the effect of missense changes on protein structure and function (PolyPhen-2) suggests that this variant is likely to be tolerated. In summary, the available evidence is currently insufficient to determine the role of this variant in disease. Therefore, it has been classified as a Variant of Uncertain Significance.

NM_000443.4(ABCB4):c.283C>G (p.Pro95Ala)

Gene: ABCB4 (ATP binding cassette subfamily B member 4; minus strand). Cytogenetic location: 7q21.12.
Variant type: single nucleotide variant.
Coding change: c.283C>G on transcript NM_000443.4 (MANE Select); coding-DNA position 283, C replaced by G.
Protein change: p.Pro95Ala; replaces proline 95 with alanine.
Molecular consequence: missense variant.
Genome position (GRCh38, 1-based): chr7:87,462,761, G>C on the plus strand (C>G on the coding strand, the complement: ABCB4 is on the minus strand). VCF-style: chr7-87462761-G-C. GRCh37 (hg19) VCF-style: chr7-87092077-G-C.
Other names: c.283C>G, p.Pro95Ala (NM_018849.3, NM_018850.3); short protein forms P95A.
Identifiers: ClinVar variation 4722333 (VCV004722333.1).